The following is an entry in ClinVar:

NM_001458.5(FLNC):c.1026C>T (p.Pro342=)

Gene: FLNC (filamin C; plus strand). Cytogenetic location: 7q32.1.
Variant type: single nucleotide variant.
Coding change: c.1026C>T on transcript NM_001458.5 (MANE Select); coding-DNA position 1026, C replaced by T.
Protein change: p.Pro342=; no amino-acid change (proline 342 retained).
Molecular consequence: synonymous variant.
Genome position (GRCh38, 1-based): chr7:128,838,043, C>T. VCF-style: chr7-128838043-C-T. GRCh37 (hg19) VCF-style: chr7-128478097-C-T.
Other names: c.1026C>T, p.Pro342= (NM_001127487.2).
Identifiers: ClinVar variation 680003 (VCV000680003.47), dbSNP rs200633995, ClinGen allele CA4474197.

ClinVar aggregate classification (germline): Likely benign. Review status: criteria provided, multiple submitters, no conflicts (2 of 4 stars). 7 submissions from 7 submitters: Likely benign (7). Last evaluated 2026-08-01.

Conditions:
Myofibrillar myopathy 5. Also called: Filaminopathy (type); FILAMINOPATHY, AUTOSOMAL DOMINANT. Identifiers: Orphanet 171445, MedGen C1836050, MONDO:0012289, OMIM 609524.
Distal myopathy with posterior leg and anterior hand involvement. Also called: WILLIAMS DISTAL MYOPATHY. Identifiers: Orphanet 63273, MedGen C3279722, MONDO:0013550, OMIM 614065.
Hypertrophic cardiomyopathy 26. Also called: Cardiomyopathy, familial hypertrophic, 26. Identifiers: Orphanet 75249, MedGen C4310749, MONDO:0014883, OMIM 617047.
Cardiovascular phenotype. Identifiers: MedGen CN230736.

Allele frequency attached by ClinVar (database versions not stated): gnomAD exomes 0.00016 and 0.00032; gnomAD 0.00021 and 0.00023; ExAC 0.00031; ESP Exome Variant Server 0.00008; TOPMed 0.00015.
gnomAD v4.1: 291 of 1,613,762 alleles (0.018%); highest among the groups gnomAD compares: Non-Finnish European, 0.0097%; 1 homozygote.

Submissions (7):

CeGaT Center for Human Genetics Tuebingen
Classification: Likely benign. Last evaluated: 2026-08-01. Review status: criteria provided, single submitter. Criteria: CeGaT Center For Human Genetics Tuebingen Variant Classification Criteria Version 2. Collection method: clinical testing. Allele origin: germline. Affected: yes. Observed: 14 variant alleles.
Comment: FLNC: BP4, BP7

Molecular Diagnostic Laboratory for Inherited Cardiovascular Disease, Montreal Heart Institute
Classification: Likely benign. Last evaluated: 2026-03-27. Review status: criteria provided, single submitter. Criteria: ACMG Guidelines, 2015. Collection method: clinical testing. Allele origin: germline. Affected: no.

Labcorp Genetics (formerly Invitae), Labcorp
Classification: Likely benign for Distal myopathy with posterior leg and anterior hand involvement; Myofibrillar myopathy 5; Hypertrophic cardiomyopathy 26. Last evaluated: 2026-02-03. Review status: criteria provided, single submitter. Criteria: Invitae Variant Classification Sherloc (09022015). Collection method: clinical testing. Allele origin: germline.

Blueprint Genetics
Classification: Likely benign. Last evaluated: 2024-11-25. Review status: criteria provided, single submitter. Criteria: ACMG Guidelines, 2015. Collection method: clinical testing. Allele origin: germline.

Fulgent Genetics
Classification: Likely benign for Myofibrillar myopathy 5; Distal myopathy with posterior leg and anterior hand involvement; Hypertrophic cardiomyopathy 26. Last evaluated: 2021-09-22. Review status: criteria provided, single submitter. Criteria: ACMG Guidelines, 2015. Collection method: clinical testing. Allele origin: unknown.

GeneDx
Classification: Likely benign. Last evaluated: 2020-12-04. Review status: criteria provided, single submitter. Criteria: GeneDx Variant Classification Process June 2021. Collection method: clinical testing. Allele origin: germline. Affected: yes.

Ambry Genetics
Classification: Likely benign for Cardiovascular phenotype. Last evaluated: 2020-02-06. Review status: criteria provided, single submitter. Criteria: Ambry Variant Classification Scheme 2023. Collection method: clinical testing. Allele origin: germline.